The following is an entry in ClinVar:

NM_005159.5(ACTC1):c.670G>A (p.Asp224Asn)

Genes: ACTC1 (actin alpha cardiac muscle 1; minus strand), GJD2-DT (GJD2 divergent transcript; plus strand). Cytogenetic location: 15q14.
Variant type: single nucleotide variant.
Coding change: c.670G>A on transcript NM_005159.5 (MANE Select); coding-DNA position 670, G replaced by A.
Protein change: p.Asp224Asn; replaces aspartic acid 224 with asparagine.
Molecular consequence: missense variant.
Genome position (GRCh38, 1-based): chr15:34,792,228, C>T on the plus strand (G>A on the coding strand, the complement: ACTC1 is on the minus strand). VCF-style: chr15-34792228-C-T. GRCh37 (hg19) VCF-style: chr15-35084429-C-T.
Other names: c.670G>A, p.Asp224Asn (NM_001406482.1, NM_001406483.1); c.535G>A, p.Asp179Asn (NM_001406484.1); c.229G>A, p.Asp77Asn (NM_001406485.1); short protein forms D179N, D77N, D224N.
Identifiers: ClinVar variation 4844295 (VCV004844295.1).

ClinVar aggregate classification (germline): Uncertain significance (1 of 4 stars; one submission).

Conditions:
Cardiovascular phenotype. Identifiers: MedGen CN230736.

Submission:

Ambry Genetics
Classification: Uncertain significance for Cardiovascular phenotype. Last evaluated: 2026-02-18. Review status: criteria provided, single submitter. Criteria: Ambry Variant Classification Scheme 2023. Collection method: clinical testing. Allele origin: germline.
Comment: The p.D224N variant (also known as c.670G>A), located in coding exon 4 of the ACTC1 gene, results from a G to A substitution at nucleotide position 670. The aspartic acid at codon 224 is replaced by asparagine, an amino acid with highly similar properties. This variant was reported in individual(s) with hypertrophic cardiomyopathy, though patient-specific details were limited (Harper AR et al. Nat Genet, 2021 Feb;53:135-142; Ambry internal data). This amino acid position is highly conserved in available vertebrate species. In addition, the in silico prediction for this alteration is inconclusive. Based on the available evidence, the clinical significance of this variant remains unclear.

Literature cited by the submitters: PubMed 33495597.